The following is an entry in ClinVar:

ClinVar aggregate classification (germline): Uncertain significance (1 of 4 stars; one submission).

Allele frequency attached by ClinVar (database versions not stated): gnomAD exomes below 0.00001; TOPMed below 0.00001.
gnomAD v4.1: 3 of 1,613,256 alleles (0.00019%); highest among the groups gnomAD compares: South Asian, 0.0022%; no homozygotes.

Submission:

Labcorp Genetics (formerly Invitae), Labcorp
Classification: Uncertain significance. Last evaluated: 2022-06-03. Review status: criteria provided, single submitter. Criteria: Invitae Variant Classification Sherloc (09022015). Collection method: clinical testing. Allele origin: germline.
Comment: In summary, the available evidence is currently insufficient to determine the role of this variant in disease. Therefore, it has been classified as a Variant of Uncertain Significance. Algorithms developed to predict the effect of missense changes on protein structure and function are either unavailable or do not agree on the potential impact of this missense change (SIFT: "Deleterious"; PolyPhen-2: "Probably Damaging"; Align-GVGD: "Class C15"). This variant has not been reported in the literature in individuals affected with DLC1-related conditions. This variant is not present in population databases (gnomAD no frequency). This sequence change replaces threonine, which is neutral and polar, with isoleucine, which is neutral and non-polar, at codon 762 of the DLC1 protein (p.Thr762Ile).

NM_182643.3(DLC1):c.2285C>T (p.Thr762Ile)

Gene: DLC1 (DLC1 Rho GTPase activating protein; minus strand). Cytogenetic location: 8p22.
Variant type: single nucleotide variant.
Coding change: c.2285C>T on transcript NM_182643.3 (MANE Select); coding-DNA position 2285, C replaced by T.
Protein change: p.Thr762Ile; replaces threonine 762 with isoleucine.
Molecular consequence: missense variant.
Genome position (GRCh38, 1-based): chr8:13,100,052, G>A on the plus strand (C>T on the coding strand, the complement: DLC1 is on the minus strand). VCF-style: chr8-13100052-G-A. GRCh37 (hg19) VCF-style: chr8-12957561-G-A.
Other names: c.752C>T, p.Thr251Ile (NM_001164271.2, NM_001348082.2, NM_001348083.1 and 6 more transcripts); c.1076C>T, p.Thr359Ile (NM_001316668.2, NM_001413129.1); c.2285C>T, p.Thr762Ile (NM_001348081.2, NM_001413124.1); c.1067C>T, p.Thr356Ile (NM_001413130.1); c.725C>T, p.Thr242Ile (NM_001413131.1, NM_001413137.1); c.1211C>T, p.Thr404Ile (NM_001413132.1); c.974C>T, p.Thr325Ile (NM_001413135.1, NM_001413136.1, NM_001413139.1 and 1 more transcripts); c.1109C>T, p.Thr370Ile (NM_001413140.1); short protein forms T404I, T370I, T242I, T251I, T325I, T356I, T359I, T762I.
Identifiers: ClinVar variation 1972291 (VCV001972291.5), dbSNP rs1818900512, ClinGen allele CA370346045.